The following is an entry in ClinVar:

ClinVar aggregate classification (germline): Likely pathogenic (1 of 4 stars; one submission).

Conditions:
Aicardi-Goutieres syndrome 2. Identifiers: Orphanet 51, MedGen C3489724, MONDO:0012429, OMIM 610181.

Submission:

Labcorp Genetics (formerly Invitae), Labcorp
Classification: Likely pathogenic for Aicardi-Goutieres syndrome 2. Last evaluated: 2023-10-28. Review status: criteria provided, single submitter. Criteria: Invitae Variant Classification Sherloc (09022015). Collection method: clinical testing. Allele origin: germline.
Comment: This sequence change affects an acceptor splice site in intron 3 of the RNASEH2B gene. It is expected to disrupt RNA splicing. Variants that disrupt the donor or acceptor splice site typically lead to a loss of protein function (PMID: 16199547), and loss-of-function variants in RNASEH2B are known to be pathogenic (PMID: 17846997). This variant is not present in population databases (gnomAD no frequency). This variant has not been reported in the literature in individuals affected with RNASEH2B-related conditions. Algorithms developed to predict the effect of sequence changes on RNA splicing suggest that this variant may disrupt the consensus splice site. In summary, the currently available evidence indicates that the variant is pathogenic, but additional data are needed to prove that conclusively. Therefore, this variant has been classified as Likely Pathogenic.

Literature cited by the submitters: PubMed 16199547; PubMed 17846997.

NM_024570.4(RNASEH2B):c.245-2A>C

Gene: RNASEH2B (ribonuclease H2 subunit B; plus strand). Cytogenetic location: 13q14.3.
Variant type: single nucleotide variant.
Coding change: c.245-2A>C on transcript NM_024570.4 (MANE Select); the canonical splice acceptor site of the intron before coding-DNA position 245, A replaced by C.
Molecular consequence: splice acceptor variant.
Genome position (GRCh38, 1-based): chr13:50,930,681, A>C. VCF-style: chr13-50930681-A-C. GRCh37 (hg19) VCF-style: chr13-51504817-A-C.
Other names: c.245-2A>C (NM_001142279.2, NM_001411023.1).
Identifiers: ClinVar variation 2772352 (VCV002772352.3), dbSNP rs2541498472, ClinGen allele CA388258915.